The following is an entry in ClinVar:

ClinVar aggregate classification (germline): Uncertain significance (1 of 4 stars; one submission).

Allele frequency attached by ClinVar (database versions not stated): TOPMed below 0.00001.
gnomAD v4.1: 9 of 1,612,216 alleles (0.00056%); highest among the groups gnomAD compares: Non-Finnish European, 0.00076%; no homozygotes.

Submission:

GeneDx
Classification: Uncertain significance. Last evaluated: 2019-06-06. Review status: criteria provided, single submitter. Criteria: GeneDx Variant Classification Process June 2021. Collection method: clinical testing. Allele origin: germline. Affected: yes.
Comment: Not observed at a significant frequency in large population cohorts (Lek et al., 2016); In silico analysis, which includes protein predictors and evolutionary conservation, supports a deleterious effect; Has not been previously published as pathogenic or benign to our knowledge; In addition, in-silico analysis, which includes splice predictors and evolutionary conservation, is inconclusive as to whether the variant alters gene splicing. In the absence of RNA/functional studies, the actual effect of this sequence change is unknown.

NM_000158.4(GBE1):c.1992C>A (p.Asp664Glu)

Gene: GBE1 (1,4-alpha-glucan branching enzyme 1; minus strand). Cytogenetic location: 3p12.2.
Variant type: single nucleotide variant.
Coding change: c.1992C>A on transcript NM_000158.4 (MANE Select); coding-DNA position 1992, C replaced by A.
Protein change: p.Asp664Glu; replaces aspartic acid 664 with glutamic acid.
Molecular consequence: missense variant.
Genome position (GRCh38, 1-based): chr3:81,499,170, G>T on the plus strand (C>A on the coding strand, the complement: GBE1 is on the minus strand). VCF-style: chr3-81499170-G-T. GRCh37 (hg19) VCF-style: chr3-81548321-G-T.
Other names: short protein forms D664E.
Identifiers: ClinVar variation 1306311 (VCV001306311.2), dbSNP rs780527478, ClinGen allele CA2499493.
Genomic context (GRCh38, chr3:81,499,170, plus strand): 5'-CAAAAGAGAATAGGGACGCCCATTATGTTCAAAAGCCTCAGAAAAAAAGTCAGTGCTGTG[G>T]TCCAGTCTCTGATGCCCTCCATATTCCGCTGCATCTGAATCTAGCACAATTTTGAATGTA-3'
Protein context (NP_000149.4, residues 654-674): AAEYGGHQRL[Asp664Glu]HSTDFFSEAF